The following is an entry in ClinVar:

NM_001145809.2(MYH14):c.2827-9A>C

Gene: MYH14 (myosin heavy chain 14; plus strand). Cytogenetic location: 19q13.33.
Variant type: single nucleotide variant.
Coding change: c.2827-9A>C on transcript NM_001145809.2 (MANE Select); 9 bases into the intron before coding-DNA position 2827, A replaced by C.
Molecular consequence: intron variant.
Genome position (GRCh38, 1-based): chr19:50,268,152, A>C. VCF-style: chr19-50268152-A-C. GRCh37 (hg19) VCF-style: chr19-50771409-A-C.
Other names: p.?; c.2728-9A>C (NM_001077186.2); c.2704-9A>C (NM_024729.4).
Identifiers: ClinVar variation 44060 (VCV000044060.24), dbSNP rs3745503, ClinGen allele CA133482.

ClinVar aggregate classification (germline): Benign. Review status: criteria provided, multiple submitters, no conflicts (2 of 4 stars). 11 submissions from 10 submitters: Benign (9). 2 of the submissions do not count toward it. Last evaluated 2026-02-01.

Conditions:
Autosomal dominant nonsyndromic hearing loss 4A. Also called: Deafness, autosomal dominant 4A. Identifiers: Orphanet 90635, MedGen C1833503, MONDO:0010915, OMIM 600652.
Peripheral neuropathy-myopathy-hoarseness-hearing loss syndrome. Identifiers: Orphanet 397744, MedGen C3280556, MONDO:0013711, OMIM 614369.

Allele frequency attached by ClinVar (database versions not stated): ESP Exome Variant Server 0.12458; gnomAD 0.14515; TOPMed 0.14866; 1000 Genomes Project 30x 0.20175; 1000 Genomes Project 0.20427.
gnomAD v4.1: 187,128 of 1,539,722 alleles (12%); highest among the groups gnomAD compares: East Asian, 26%; 13,451 homozygotes.

Submissions (11):

Labcorp Genetics (formerly Invitae), Labcorp
Classification: Benign. Last evaluated: 2026-02-01. Review status: criteria provided, single submitter. Criteria: Invitae Variant Classification Sherloc (09022015). Collection method: clinical testing. Allele origin: germline.

Genome-Nilou Lab
Classification: Benign for Peripheral neuropathy-myopathy-hoarseness-hearing loss syndrome. Last evaluated: 2021-09-05. Review status: criteria provided, single submitter. Criteria: ACMG Guidelines, 2015. Collection method: clinical testing. Allele origin: germline. Affected: no.

Genome-Nilou Lab
Classification: Benign for Autosomal dominant nonsyndromic hearing loss 4A. Last evaluated: 2021-09-05. Review status: criteria provided, single submitter. Criteria: ACMG Guidelines, 2015. Collection method: clinical testing. Allele origin: germline. Affected: no.

Mayo Clinic Laboratories, Mayo Clinic
Classification: Benign. Last evaluated: 2020-08-14. Review status: criteria provided, single submitter. Criteria: ACMG Guidelines, 2015. Collection method: clinical testing. Allele origin: germline. Observed: 283 variant alleles.

Illumina Laboratory Services, Illumina
Classification: Benign for Autosomal dominant nonsyndromic hearing loss 4A. Last evaluated: 2018-01-13. Review status: criteria provided, single submitter. Criteria: ICSL Variant Classification Criteria 13 December 2019. Collection method: clinical testing. Allele origin: germline.
Comment: This variant was observed in the ICSL laboratory as part of a predisposition screen in an ostensibly healthy population. It had not been previously curated by ICSL or reported in the Human Gene Mutation Database (HGMD: prior to June 1st, 2018), and was therefore a candidate for classification through an automated scoring system. Utilizing variant allele frequency, disease prevalence and penetrance estimates, and inheritance mode, an automated score was calculated to assess if this variant is too frequent to cause the disease. Based on the score and internal cut-off values, a variant classified as benign is not then subjected to further curation. The score for this variant resulted in a classification of benign for this disease.

GeneDx
Classification: Benign. Last evaluated: 2017-05-09. Review status: criteria provided, single submitter. Criteria: GeneDx Variant Classification (06012015). Collection method: clinical testing. Allele origin: germline. Affected: yes.
Comment: This variant is considered likely benign or benign based on one or more of the following criteria: it is a conservative change, it occurs at a poorly conserved position in the protein, it is predicted to be benign by multiple in silico algorithms, and/or has population frequency not consistent with disease.

Laboratory for Molecular Medicine, Mass General Brigham Personalized Medicine
Classification: Benign. Last evaluated: 2012-05-07. Review status: criteria provided, single submitter. Criteria: LMM Criteria. Collection method: clinical testing. Allele origin: germline. Observed: 356 variant alleles.
Comment: 2827-9A>C in Intron 23 of MYH14: This variant is not expected to have clinical s ignificance because it has been identified in 18.4% (607/3304) of African Americ an chromosomes from a broad population by the NHLBI Exome Sequencing Project (dbSNP rs3745503).

Breakthrough Genomics
Classification: Benign. Review status: criteria provided, single submitter. Criteria: ACMG Guidelines, 2015. Collection method: not provided. Allele origin: germline. Inheritance: Autosomal dominant inheritance. Affected: yes.

PreventionGenetics, part of Exact Sciences
Classification: Benign. Review status: criteria provided, single submitter. Criteria: ACMG Guidelines, 2015. Collection method: clinical testing. Allele origin: germline.

Clinical Genetics, Academic Medical Center
Classification: Benign. Review status: no assertion criteria provided. Collection method: clinical testing. Allele origin: germline. Affected: yes. Study: VKGL Data-share Consensus. Not counted in ClinVar's aggregate classification.

Joint Genome Diagnostic Labs from Nijmegen and Maastricht, Radboudumc and MUMC+
Classification: Benign. Review status: no assertion criteria provided. Collection method: clinical testing. Allele origin: germline. Affected: yes. Study: VKGL Data-share Consensus. Not counted in ClinVar's aggregate classification.